The following is an entry in ClinVar:

NM_000360.4(TH):c.288G>C (p.Leu96=)

Gene: TH (tyrosine hydroxylase; minus strand). Cytogenetic location: 11p15.5.
Variant type: single nucleotide variant.
Coding change: c.288G>C on transcript NM_000360.4 (MANE Select); coding-DNA position 288, G replaced by C.
Protein change: p.Leu96=; no amino-acid change (leucine 96 retained).
Molecular consequence: synonymous variant.
Genome position (GRCh38, 1-based): chr11:2,169,674, C>G on the plus strand (G>C on the coding strand, the complement: TH is on the minus strand). VCF-style: chr11-2169674-C-G. GRCh37 (hg19) VCF-style: chr11-2190904-C-G.
Other names: c.381G>C, p.Leu127= (NM_199292.3); c.369G>C, p.Leu123= (NM_199293.3).
Identifiers: ClinVar variation 374421 (VCV000374421.57), dbSNP rs151082354, ClinGen allele CA5818735.

ClinVar aggregate classification (germline): Likely benign. Review status: criteria provided, multiple submitters, no conflicts (2 of 4 stars). 5 submissions from 5 submitters: Likely benign (4). 1 of the submissions does not count toward it. Last evaluated 2025-10-23.

Conditions:
TH-deficient dopa-responsive dystonia. Also called: Segawa syndrome, autosomal recessive; Tyrosine Hydroxylase-Deficient Dopa-Responsive Dystonia; DYT-TH. Identifiers: Orphanet 101150, MedGen C2673535, MONDO:0011551, OMIM 605407.

Allele frequency attached by ClinVar (database versions not stated): ExAC 0.00002; gnomAD 0.00002 and 0.00003; gnomAD exomes 0.00002; TOPMed 0.00003; ESP Exome Variant Server 0.00008.

Submissions (5):

Labcorp Genetics (formerly Invitae), Labcorp
Classification: Likely benign for TH-deficient dopa-responsive dystonia. Last evaluated: 2025-10-23. Review status: criteria provided, single submitter. Criteria: Invitae Variant Classification Sherloc (09022015). Collection method: clinical testing. Allele origin: germline.

CeGaT Center for Human Genetics Tuebingen
Classification: Likely benign. Last evaluated: 2025-09-01. Review status: criteria provided, single submitter. Criteria: CeGaT Center For Human Genetics Tuebingen Variant Classification Criteria Version 2. Collection method: clinical testing. Allele origin: germline. Affected: yes. Observed: 3 variant alleles.
Comment: TH: BP4, BP7

Blueprint Genetics
Classification: Likely benign. Last evaluated: 2024-11-12. Review status: criteria provided, single submitter. Criteria: ACMG Guidelines, 2015. Collection method: clinical testing. Allele origin: germline.

GeneDx
Classification: Likely benign. Last evaluated: 2018-08-07. Review status: criteria provided, single submitter. Criteria: GeneDx Variant Classification Process June 2021. Collection method: clinical testing. Allele origin: germline. Affected: yes.

Natera, Inc.
Classification: Likely benign for Autosomal recessive Segawa syndrome. Last evaluated: 2020-09-16. Review status: no assertion criteria provided. Collection method: clinical testing. Allele origin: germline. Not counted in ClinVar's aggregate classification.